The following is an entry in ClinVar:

NM_012308.3(KDM2A):c.1677del (p.Ile560fs)

Gene: KDM2A (lysine demethylase 2A; plus strand). Cytogenetic location: 11q13.2.
Variant type: Deletion.
Coding change: c.1677del on transcript NM_012308.3 (MANE Select); coding-DNA position 1677, one base deleted (G; older notation c.1677delG).
Protein change: p.Ile560fs; shifts the reading frame from isoleucine 560.
Molecular consequence: frameshift variant. On other transcripts: non-coding transcript variant (1).
Genome position (GRCh38, 1-based): chr11:67,245,302, G deleted. VCF-style (leftmost placement, unchanged base first): chr11-67245301-CG-C. GRCh37 (hg19) VCF-style: chr11-67012772-CG-C.
Other names: c.360del, p.Ile121fs (NM_001256405.2); short protein forms I121fs, I560fs.
Identifiers: ClinVar variation 3778800 (VCV003778800.1).

ClinVar aggregate classification (germline): Pathogenic (1 of 4 stars; one submission).

Conditions:
KDM2A-related neurodevelopmental disorder.

Submission:

Institute of Human Genetics, University of Leipzig Medical Center
Classification: Pathogenic for KDM2A-related neurodevelopmental disorder. Last evaluated: 2025-01-20. Review status: criteria provided, single submitter. Criteria: ACMG Guidelines, 2015. Collection method: research. Allele origin: de novo. Inheritance: Autosomal dominant inheritance. Affected: yes.
Comment: Criteria applied: PVS1, PS2_MOD, PM2

Literature cited by the submitters: DOI 10.1101/2025.03.31.25324695.